The following is an entry in ClinVar:

NM_001267550.2(TTN):c.90676_90678del (p.Ser30226del)

Genes: TTN-AS1 (TTN antisense RNA 1; plus strand), TTN (titin; minus strand). Cytogenetic location: 2q31.2.
Variant type: Deletion.
Coding change: c.90676_90678del on transcript NM_001267550.2 (MANE Select); coding-DNA positions 90676 to 90678, 3 bases deleted (TCA; older notation c.90676_90678delTCA).
Protein change: p.Ser30226del; deletes serine 30226.
Molecular consequence: inframe deletion.
Genome position (GRCh38, 1-based): chr2:178,552,222-178,552,224, TGA deleted on the plus strand (TCA on the coding strand, the reverse complement: TTN is on the minus strand); deleting any 3 consecutive bases within chr2:178,552,222-178,552,226 gives the same sequence; the c. name uses the placement nearest the transcript's 3' end. VCF-style (leftmost placement, unchanged base first): chr2-178552221-TTGA-T. GRCh37 (hg19) VCF-style: chr2-179416948-TTGA-T.
Other names: c.85753_85755del, p.Ser28585del (NM_001256850.1); c.63481_63483del, p.Ser21161del (NM_003319.4); c.82972_82974del, p.Ser27658del (NM_133378.4); c.63856_63858del, p.Ser21286del (NM_133432.3); c.64057_64059del, p.Ser21353del (NM_133437.4); c.82972_82974delTCA (NM_133378.4); short protein forms S21161del, S21286del, S21353del, S27658del, S28585del, S30226del.
Identifiers: ClinVar variation 2506086 (VCV002506086.1), dbSNP rs1699720258, ClinGen allele CA1310521611.

ClinVar aggregate classification (germline): Uncertain significance (1 of 4 stars; one submission).

Submission:

Women's Health and Genetics/Laboratory Corporation of America, LabCorp
Classification: Uncertain significance. Last evaluated: 2023-05-15. Review status: criteria provided, single submitter. Criteria: LabCorp Variant Classification Summary - May 2015. Collection method: clinical testing. Allele origin: germline.
Comment: Variant summary: TTN c.82972_82974delTCA (p.Ser27658del) results in an in-frame deletion that is predicted to remove one amino acid from the A-band region of the encoded protein. The variant was absent in 247694 control chromosomes. The available data on variant occurrences in the general population are insufficient to allow any conclusion about variant significance. To our knowledge, no occurrence of c.82972_82974delTCA in individuals affected with Dilated Cardiomyopathy and no experimental evidence demonstrating its impact on protein function have been reported. A co-occurrence with another pathogenic variant has been observed at our laboratory (TNNT2 c.328T>A, p.F110I; internal testing), providing supporting evidence for a benign role. No clinical diagnostic laboratories have submitted clinical-significance assessments for this variant to ClinVar after 2014. Based on the evidence outlined above, the variant was classified as uncertain significance.